The following is an entry in ClinVar:

ClinVar aggregate classification (germline): Uncertain significance. Review status: criteria provided, multiple submitters, no conflicts (2 of 4 stars). 2 submissions from 2 submitters: Uncertain significance (2). Last evaluated 2024-03-22.

Conditions:
Erythrocytosis, familial, 3 (ECYT3). Identifiers: Orphanet 247511, MedGen C1853286, MONDO:0012353, OMIM 609820.

Allele frequency attached by ClinVar (database versions not stated): ExAC below 0.00001; TOPMed below 0.00001; gnomAD 0.00001.
gnomAD v4.1: 5 of 1,508,910 alleles (0.00033%); highest among the groups gnomAD compares: East Asian, 0.008%; no homozygotes.

Submissions (2):

Ambry Genetics
Classification: Uncertain significance. Last evaluated: 2024-03-22. Review status: criteria provided, single submitter. Criteria: Ambry Variant Classification Scheme 2023. Collection method: clinical testing. Allele origin: germline.
Comment: The p.G68R variant (also known as c.202G>C), located in coding exon 1 of the EGLN1 gene, results from a G to C substitution at nucleotide position 202. The glycine at codon 68 is replaced by arginine, an amino acid with dissimilar properties. This amino acid position is conserved. In addition, this alteration is predicted to be tolerated by in silico analysis. Since supporting evidence is limited at this time, the clinical significance of this alteration remains unclear.

Labcorp Genetics (formerly Invitae), Labcorp
Classification: Uncertain significance for Erythrocytosis, familial, 3. Last evaluated: 2024-02-24. Review status: criteria provided, single submitter. Criteria: Invitae Variant Classification Sherloc (09022015). Collection method: clinical testing. Allele origin: germline.
Comment: This sequence change replaces glycine, which is neutral and non-polar, with arginine, which is basic and polar, at codon 68 of the EGLN1 protein (p.Gly68Arg). This variant is present in population databases (rs763530007, gnomAD 0.01%). This variant has not been reported in the literature in individuals affected with EGLN1-related conditions. ClinVar contains an entry for this variant (Variation ID: 855907). An algorithm developed to predict the effect of missense changes on protein structure and function (PolyPhen-2) suggests that this variant is likely to be disruptive. In summary, the available evidence is currently insufficient to determine the role of this variant in disease. Therefore, it has been classified as a Variant of Uncertain Significance.

NM_022051.3(EGLN1):c.202G>C (p.Gly68Arg)

Gene: EGLN1 (egl-9 family hypoxia inducible factor 1; minus strand). Cytogenetic location: 1q42.2.
Variant type: single nucleotide variant.
Coding change: c.202G>C on transcript NM_022051.3 (MANE Select); coding-DNA position 202, G replaced by C.
Protein change: p.Gly68Arg; replaces glycine 68 with arginine.
Molecular consequence: missense variant.
Genome position (GRCh38, 1-based): chr1:231,421,687, C>G on the plus strand (G>C on the coding strand, the complement: EGLN1 is on the minus strand). VCF-style: chr1-231421687-C-G. GRCh37 (hg19) VCF-style: chr1-231557433-C-G.
Other names: c.202G>C, p.Gly68Arg (NM_001377260.1, NM_001377261.1); short protein forms G68R.
Identifiers: ClinVar variation 855907 (VCV000855907.10), dbSNP rs763530007, ClinGen allele CA1453194.